The following is an entry in ClinVar:

NM_018191.4(RCBTB1):c.1457A>G (p.Asp486Gly)

Gene: RCBTB1 (RCC1 and BTB domain containing protein 1; minus strand). Cytogenetic location: 13q14.2.
Variant type: single nucleotide variant.
Coding change: c.1457A>G on transcript NM_018191.4 (MANE Select); coding-DNA position 1457, A replaced by G.
Protein change: p.Asp486Gly; replaces aspartic acid 486 with glycine.
Molecular consequence: missense variant. On other transcripts: non-coding transcript variant (2).
Genome position (GRCh38, 1-based): chr13:49,534,261, T>C on the plus strand (A>G on the coding strand, the complement: RCBTB1 is on the minus strand). VCF-style: chr13-49534261-T-C. GRCh37 (hg19) VCF-style: chr13-50108397-T-C.
Other names: c.1457A>G, p.Asp486Gly (NM_001352500.2, NM_001352501.2, NM_001352502.2 and 1 more transcripts); c.878A>G, p.Asp293Gly (NM_001352506.2); short protein forms D293G, D486G.
Identifiers: ClinVar variation 1061581 (VCV001061581.7), dbSNP rs765572607, ClinGen allele CA6982539.

ClinVar aggregate classification (germline): Uncertain significance (1 of 4 stars; one submission).

Allele frequency attached by ClinVar (database versions not stated): TOPMed below 0.00001; gnomAD 0.00001; gnomAD exomes 0.00001; ExAC 0.00003.
gnomAD v4.1: 19 of 1,609,634 alleles (0.0012%); highest among the groups gnomAD compares: South Asian, 0.018%; no homozygotes.

Submission:

Labcorp Genetics (formerly Invitae), Labcorp
Classification: Uncertain significance. Last evaluated: 2025-03-19. Review status: criteria provided, single submitter. Criteria: Invitae Variant Classification Sherloc (09022015). Collection method: clinical testing. Allele origin: germline.
Comment: This sequence change replaces aspartic acid, which is acidic and polar, with glycine, which is neutral and non-polar, at codon 486 of the RCBTB1 protein (p.Asp486Gly). This variant is present in population databases (rs765572607, gnomAD 0.02%). This variant has not been reported in the literature in individuals affected with RCBTB1-related conditions. ClinVar contains an entry for this variant (Variation ID: 1061581). An algorithm developed to predict the effect of missense changes on protein structure and function (PolyPhen-2) suggests that this variant is likely to be tolerated. In summary, the available evidence is currently insufficient to determine the role of this variant in disease. Therefore, it has been classified as a Variant of Uncertain Significance.